The following is an entry in ClinVar:

ClinVar aggregate classification (germline): Likely benign. Review status: criteria provided, multiple submitters, no conflicts (2 of 4 stars). 3 submissions from 3 submitters: Likely benign (3). Last evaluated 2026-05-01.

Conditions:
Charcot-Marie-Tooth disease type 2R. Also called: Charcot-Marie-Tooth disease, axonal, type 2R; CHARCOT-MARIE-TOOTH NEUROPATHY, TYPE 2R; CHARCOT-MARIE-TOOTH DISEASE, AXONAL, AUTOSOMAL RECESSIVE, TYPE 2R. Identifiers: Orphanet 397968, MedGen C3809655, MONDO:0014208, OMIM 615490.

Allele frequency attached by ClinVar (database versions not stated): TOPMed 0.00002; gnomAD 0.00007; gnomAD exomes 0.00010 and 0.00018; ExAC 0.00021; 1000 Genomes Project 30x 0.00031; 1000 Genomes Project 0.00040.
gnomAD v4.1: 155 of 1,614,142 alleles (0.0096%); highest among the groups gnomAD compares: South Asian, 0.15%; no homozygotes.

Submissions (3):

CeGaT Center for Human Genetics Tuebingen
Classification: Likely benign. Last evaluated: 2026-05-01. Review status: criteria provided, single submitter. Criteria: CeGaT Center For Human Genetics Tuebingen Variant Classification Criteria Version 2. Collection method: clinical testing. Allele origin: germline. Affected: yes. Observed: 1 variant allele.
Comment: TRIM2: BP4, BP7

Labcorp Genetics (formerly Invitae), Labcorp
Classification: Likely benign for Charcot-Marie-Tooth disease type 2R. Last evaluated: 2025-12-24. Review status: criteria provided, single submitter. Criteria: Invitae Variant Classification Sherloc (09022015). Collection method: clinical testing. Allele origin: germline.

Breakthrough Genomics
Classification: Likely benign. Review status: criteria provided, single submitter. Criteria: ACMG Guidelines, 2015. Collection method: not provided. Allele origin: germline. Inheritance: Autosomal recessive inheritance. Affected: yes.

NM_015271.5(TRIM2):c.915C>T (p.Ser305=)

Gene: TRIM2 (tripartite motif containing 2; plus strand). Cytogenetic location: 4q31.3.
Variant type: single nucleotide variant.
Coding change: c.915C>T on transcript NM_015271.5 (MANE Select); coding-DNA position 915, C replaced by T.
Protein change: p.Ser305=; no amino-acid change (serine 305 retained).
Molecular consequence: synonymous variant.
Genome position (GRCh38, 1-based): chr4:153,295,441, C>T. VCF-style: chr4-153295441-C-T. GRCh37 (hg19) VCF-style: chr4-154216593-C-T.
Other names: c.834C>T, p.Ser278= (NM_001130067.2, NM_001351056.2, NM_001375512.1 and 5 more transcripts); c.888C>T, p.Ser296= (NM_001351054.2); c.885C>T, p.Ser295= (NM_001351055.2); c.459C>T, p.Ser153= (NM_001351057.2); c.1008C>T, p.Ser336= (NM_001375488.1); c.1005C>T, p.Ser335= (NM_001375489.1); c.858C>T, p.Ser286= (NM_001375490.1); c.855C>T, p.Ser285= (NM_001375491.1); and 3 more.
Identifiers: ClinVar variation 1673425 (VCV001673425.11), dbSNP rs570315105, ClinGen allele CA3108654.